The following is an entry in ClinVar:

ClinVar aggregate classification (germline): Uncertain significance (1 of 4 stars; one submission).

Submission:

CeGaT Center for Human Genetics Tuebingen
Classification: Uncertain significance. Last evaluated: 2026-03-01. Review status: criteria provided, single submitter. Criteria: CeGaT Center For Human Genetics Tuebingen Variant Classification Criteria Version 2. Collection method: clinical testing. Allele origin: germline. Affected: yes. Observed: 1 variant allele.
Comment: VPS13C: PM2

NM_020821.3(VPS13C):c.1702C>T (p.Pro568Ser)

Gene: VPS13C (vacuolar protein sorting 13 homolog C; minus strand). Cytogenetic location: 15q22.2.
Variant type: single nucleotide variant.
Coding change: c.1702C>T on transcript NM_020821.3 (MANE Select); coding-DNA position 1702, C replaced by T.
Protein change: p.Pro568Ser; replaces proline 568 with serine.
Molecular consequence: missense variant.
Genome position (GRCh38, 1-based): chr15:61,984,876, G>A on the plus strand (C>T on the coding strand, the complement: VPS13C is on the minus strand). VCF-style: chr15-61984876-G-A. GRCh37 (hg19) VCF-style: chr15-62277075-G-A.
Other names: c.1702C>T, p.Pro568Ser (NM_001018088.3); c.1573C>T, p.Pro525Ser (NM_017684.5, NM_018080.4); short protein forms P525S, P568S.
Identifiers: ClinVar variation 4823780 (VCV004823780.4).